The following is an entry in ClinVar:

NM_017433.5(MYO3A):c.1396G>A (p.Val466Met)

Gene: MYO3A (myosin IIIA; plus strand). Cytogenetic location: 10p12.1.
Variant type: single nucleotide variant.
Coding change: c.1396G>A on transcript NM_017433.5 (MANE Select); coding-DNA position 1396, G replaced by A.
Protein change: p.Val466Met; replaces valine 466 with methionine.
Molecular consequence: missense variant.
Genome position (GRCh38, 1-based): chr10:26,088,239, G>A. VCF-style: chr10-26088239-G-A. GRCh37 (hg19) VCF-style: chr10-26377168-G-A.
Other names: short protein forms V466M.
Identifiers: ClinVar variation 4698253 (VCV004698253.2).
Genomic context (GRCh38, chr10:26,088,239, plus strand): 5'-AATATCTTAATATTTTCTATTTAGGCTAATAACAGAACCTTGCAAGAGAAGATTTTACAA[G>A]TGAACAATTTGGTAGAAGCCTTTGGCAATGCCTGCACTATTATAAATGACAATTCTAGCA-3'
Protein context (NP_059129.3, residues 456-476): NRTLQEKILQ[Val466Met]NNLVEAFGNA

ClinVar aggregate classification (germline): Uncertain significance. Review status: criteria provided, multiple submitters, no conflicts (2 of 4 stars). 2 submissions from 2 submitters: Uncertain significance (2). Last evaluated 2025-07-20.

gnomAD v4.1: 8 of 1,612,610 alleles (0.0005%); highest among the groups gnomAD compares: Non-Finnish European, 0.00068%; no homozygotes.

Submissions (2):

Labcorp Genetics (formerly Invitae), Labcorp
Classification: Uncertain significance. Last evaluated: 2025-07-20. Review status: criteria provided, single submitter. Criteria: Invitae Variant Classification Sherloc (09022015). Collection method: clinical testing. Allele origin: germline.
Comment: This sequence change replaces valine, which is neutral and non-polar, with methionine, which is neutral and non-polar, at codon 466 of the MYO3A protein (p.Val466Met). This variant is present in population databases (no rsID available, gnomAD 0.0008%). This variant has not been reported in the literature in individuals affected with MYO3A-related conditions. Invitae Evidence Modeling of protein sequence and biophysical properties (such as structural, functional, and spatial information, amino acid conservation, physicochemical variation, residue mobility, and thermodynamic stability) indicates that this missense variant is not expected to disrupt MYO3A protein function with a negative predictive value of 80%. In summary, the available evidence is currently insufficient to determine the role of this variant in disease. Therefore, it has been classified as a Variant of Uncertain Significance.

Blueprint Genetics
Classification: Uncertain significance. Last evaluated: 2024-11-07. Review status: criteria provided, single submitter. Criteria: ACMG Guidelines, 2015. Collection method: clinical testing. Allele origin: germline.